The following is an entry in ClinVar:

NM_000051.4(ATM):c.3875T>C (p.Val1292Ala)

Gene: ATM (ATM serine/threonine kinase; plus strand). Cytogenetic location: 11q22.3.
Variant type: single nucleotide variant.
Coding change: c.3875T>C on transcript NM_000051.4 (MANE Select); coding-DNA position 3875, T replaced by C.
Protein change: p.Val1292Ala; replaces valine 1292 with alanine.
Molecular consequence: missense variant.
Genome position (GRCh38, 1-based): chr11:108,284,355, T>C. VCF-style: chr11-108284355-T-C. GRCh37 (hg19) VCF-style: chr11-108155082-T-C.
Other names: c.3875T>C, p.Val1292Ala (NM_001351834.2); short protein forms V1292A.
Identifiers: ClinVar variation 479085 (VCV000479085.5), dbSNP rs1555093556, ClinGen allele CA382525401.

ClinVar aggregate classification (germline): Uncertain significance (1 of 4 stars; one submission).

Conditions:
Hereditary cancer-predisposing syndrome. Also called: Neoplastic Syndromes, Hereditary; Hereditary Cancer Syndrome; Hereditary neoplastic syndrome; Tumor predisposition. Identifiers: Orphanet 140162, MedGen C0027672, MeSH D009386, MONDO:0015356.

Submission:

Ambry Genetics
Classification: Uncertain significance for Hereditary cancer-predisposing syndrome. Last evaluated: 2019-06-25. Review status: criteria provided, single submitter. Criteria: Ambry Variant Classification Scheme 2023. Collection method: clinical testing. Allele origin: germline.
Comment: The p.V1292A variant (also known as c.3875T>C), located in coding exon 25 of the ATM gene, results from a T to C substitution at nucleotide position 3875. The valine at codon 1292 is replaced by alanine, an amino acid with similar properties. This alteration has been reported with a carrier frequency of 0 in 7051 unselected breast cancer patients and 0.00009 in 11241 female controls of Japanese ancestry (Momozawa Y et al. Nat Commun, 2018 10;9:4083). This amino acid position is highly conserved in available vertebrate species. In addition, this alteration is predicted to be deleterious by in silico analysis. Since supporting evidence is limited at this time, the clinical significance of this alteration remains unclear.

Literature cited by the submitters: PubMed 30287823.